The following is an entry in ClinVar:

NM_145207.3(AFG2A):c.734T>G (p.Ile245Ser)

Gene: AFG2A (AAA ATPase AFG2A; plus strand). Cytogenetic location: 4q28.1.
Variant type: single nucleotide variant.
Coding change: c.734T>G on transcript NM_145207.3 (MANE Select); coding-DNA position 734, T replaced by G.
Protein change: p.Ile245Ser; replaces isoleucine 245 with serine.
Molecular consequence: missense variant.
Genome position (GRCh38, 1-based): chr4:122,934,325, T>G. VCF-style: chr4-122934325-T-G. GRCh37 (hg19) VCF-style: chr4-123855480-T-G.
Other names: c.731T>G, p.Ile244Ser (NM_001317799.2, NM_001345856.2); short protein forms I244S, I245S.
Identifiers: ClinVar variation 1018716 (VCV001018716.4), dbSNP rs1728933023, ClinGen allele CA358101931.

ClinVar aggregate classification (germline): Uncertain significance (1 of 4 stars; one submission).

Conditions:
Microcephaly-intellectual disability-sensorineural hearing loss-epilepsy-abnormal muscle tone syndrome (NEDHSB). Also called: NEURODEVELOPMENTAL DISORDER WITH HEARING LOSS, SEIZURES, AND BRAIN ABNORMALITIES. Identifiers: Orphanet 457351, MedGen C4225276, MONDO:0014698, OMIM 616577.

Allele frequency attached by ClinVar (database versions not stated): gnomAD exomes below 0.00001.
gnomAD v4.1: 1 of 1,614,176 alleles (0.000062%); highest among the groups gnomAD compares: East Asian, 0.0022%; no homozygotes.

Submission:

Labcorp Genetics (formerly Invitae), Labcorp
Classification: Uncertain significance for Microcephaly-intellectual disability-sensorineural hearing loss-epilepsy-abnormal muscle tone syndrome. Last evaluated: 2020-04-27. Review status: criteria provided, single submitter. Criteria: Invitae Variant Classification Sherloc (09022015). Collection method: clinical testing. Allele origin: germline.
Comment: In summary, the available evidence is currently insufficient to determine the role of this variant in disease. Therefore, it has been classified as a Variant of Uncertain Significance. Algorithms developed to predict the effect of missense changes on protein structure and function output the following: SIFT: "Tolerated"; PolyPhen-2: "Benign"; Align-GVGD: "Class C0". The serine amino acid residue is found in multiple mammalian species, suggesting that this missense change does not adversely affect protein function. These predictions have not been confirmed by published functional studies and their clinical significance is uncertain. This variant has not been reported in the literature in individuals with SPATA5-related conditions. This sequence change replaces isoleucine with serine at codon 245 of the SPATA5 protein (p.Ile245Ser). The isoleucine residue is weakly conserved and there is a large physicochemical difference between isoleucine and serine. This variant is not present in population databases (ExAC no frequency).